The following is an entry in ClinVar:

ClinVar aggregate classification (germline): Uncertain significance. Review status: criteria provided, multiple submitters, no conflicts (2 of 4 stars). 3 submissions from 3 submitters: Uncertain significance (3). Last evaluated 2025-09-28.

Conditions:
Distal myopathy with posterior leg and anterior hand involvement. Also called: WILLIAMS DISTAL MYOPATHY. Identifiers: Orphanet 63273, MedGen C3279722, MONDO:0013550, OMIM 614065.
Myofibrillar myopathy 5. Also called: Filaminopathy (type); FILAMINOPATHY, AUTOSOMAL DOMINANT. Identifiers: Orphanet 171445, MedGen C1836050, MONDO:0012289, OMIM 609524.
Hypertrophic cardiomyopathy 26. Also called: Cardiomyopathy, familial hypertrophic, 26. Identifiers: Orphanet 75249, MedGen C4310749, MONDO:0014883, OMIM 617047.
Cardiovascular phenotype. Identifiers: MedGen CN230736.

Allele frequency attached by ClinVar (database versions not stated): gnomAD exomes below 0.00001; TOPMed below 0.00001.
gnomAD v4.1: 3 of 1,613,690 alleles (0.00019%); highest among the groups gnomAD compares: East Asian, 0.0022%; no homozygotes.

Submissions (3):

Labcorp Genetics (formerly Invitae), Labcorp
Classification: Uncertain significance for Distal myopathy with posterior leg and anterior hand involvement; Myofibrillar myopathy 5; Hypertrophic cardiomyopathy 26. Last evaluated: 2025-09-28. Review status: criteria provided, single submitter. Criteria: Invitae Variant Classification Sherloc (09022015). Collection method: clinical testing. Allele origin: germline.
Comment: This sequence change replaces serine, which is neutral and polar, with cysteine, which is neutral and slightly polar, at codon 2020 of the FLNC protein (p.Ser2020Cys). This variant is present in population databases (rs537114122, gnomAD 0.006%). This variant has not been reported in the literature in individuals affected with FLNC-related conditions. ClinVar contains an entry for this variant (Variation ID: 539374). Invitae Evidence Modeling of protein sequence and biophysical properties (such as structural, functional, and spatial information, amino acid conservation, physicochemical variation, residue mobility, and thermodynamic stability) has been performed for this missense variant. However, the output from this modeling did not meet the statistical confidence thresholds required to predict the impact of this variant on FLNC protein function. In summary, the available evidence is currently insufficient to determine the role of this variant in disease. Therefore, it has been classified as a Variant of Uncertain Significance.

Ambry Genetics
Classification: Uncertain significance for Cardiovascular phenotype. Last evaluated: 2025-04-14. Review status: criteria provided, single submitter. Criteria: Ambry Variant Classification Scheme 2023. Collection method: clinical testing. Allele origin: germline.
Comment: The p.S2020C variant (also known as c.6058A>T), located in coding exon 37 of the FLNC gene, results from an A to T substitution at nucleotide position 6058. The serine at codon 2020 is replaced by cysteine, an amino acid with dissimilar properties. This amino acid position is conserved. In addition, this alteration is predicted to be tolerated by in silico analysis. Based on the available evidence, the clinical significance of this variant remains unclear.

Revvity Omics, Revvity
Classification: Uncertain significance. Last evaluated: 2024-11-07. Review status: criteria provided, single submitter. Criteria: ACMG Guidelines, 2015. Collection method: clinical testing. Allele origin: germline.

NM_001458.5(FLNC):c.6058A>T (p.Ser2020Cys)

Genes: FLNC-AS1 (FLNC antisense RNA 1; minus strand), FLNC (filamin C; plus strand). Cytogenetic location: 7q32.1.
Variant type: single nucleotide variant.
Coding change: c.6058A>T on transcript NM_001458.5 (MANE Select); coding-DNA position 6058, A replaced by T.
Protein change: p.Ser2020Cys; replaces serine 2020 with cysteine.
Molecular consequence: missense variant.
Genome position (GRCh38, 1-based): chr7:128,852,881, A>T. VCF-style: chr7-128852881-A-T. GRCh37 (hg19) VCF-style: chr7-128492935-A-T.
Other names: c.5959A>T, p.Ser1987Cys (NM_001127487.2); short protein forms S2020C, S1987C.
Identifiers: ClinVar variation 539374 (VCV000539374.11), dbSNP rs537114122, ClinGen allele CA166190162.